The following is an entry in ClinVar:

ClinVar aggregate classification (germline): Pathogenic/Likely pathogenic. Review status: criteria provided, multiple submitters, no conflicts (2 of 4 stars). 12 submissions from 12 submitters: Pathogenic (9); Likely pathogenic (2). 1 of the submissions does not count toward it. Last evaluated 2026-01-21.

Conditions:
Hereditary cancer-predisposing syndrome. Also called: Tumor predisposition; Hereditary neoplastic syndrome; Neoplastic Syndromes, Hereditary; Hereditary Cancer Syndrome. Identifiers: Orphanet 140162, MedGen C0027672, MeSH D009386, MONDO:0015356.
Lynch syndrome. Identifiers: Orphanet 144, MedGen C4552100, MONDO:0005835. Disease mechanism: loss of function.
Lynch syndrome 5 (LYNCH5). Also called: Colorectal cancer, hereditary nonpolyposis, type 5; Hereditary non-polyposis colorectal cancer, type 5. Identifiers: Orphanet 144, MedGen C1833477, MONDO:0013710, OMIM 614350. Disease mechanism: loss of function.
Hereditary nonpolyposis colorectal neoplasms. Identifiers: MedGen C0009405, MeSH D003123.
Endometrial carcinoma. Also called: Endometrial carcinoma, somatic. Identifiers: MedGen C0476089, MONDO:0002447, OMIM 608089, HP:0012114.

Submissions (12):

Labcorp Genetics (formerly Invitae), Labcorp
Classification: Pathogenic for Hereditary nonpolyposis colorectal neoplasms. Last evaluated: 2026-01-21. Review status: criteria provided, single submitter. Criteria: Invitae Variant Classification Sherloc (09022015). Collection method: clinical testing. Allele origin: germline.
Comment: This sequence change creates a premature translational stop signal (p.Phe451Serfs*2) in the MSH6 gene. It is expected to result in an absent or disrupted protein product. Loss-of-function variants in MSH6 are known to be pathogenic (PMID: 18269114, 24362816). This variant is not present in population databases (gnomAD no frequency). This premature translational stop signal has been observed in individual(s) with small intestine cancer and polyposis (PMID: 26845104). Invitae Evidence Modeling of clinical and family history, age, sex, and reported ancestry of multiple individuals with this MSH6 variant has been performed. This variant is expected to be pathogenic with a positive predictive value of at least 99%. This is a validated machine learning model that incorporates the clinical features of 1,627,235 individuals referred to our laboratory for MSH6 testing. ClinVar contains an entry for this variant (Variation ID: 224534). For these reasons, this variant has been classified as Pathogenic.

Ambry Genetics
Classification: Pathogenic for Hereditary cancer-predisposing syndrome. Last evaluated: 2024-12-23. Review status: criteria provided, single submitter. Criteria: Ambry Variant Classification Scheme 2023. Collection method: clinical testing. Allele origin: germline.
Comment: The c.1352delT pathogenic mutation, located in coding exon 4 of the MSH6 gene, results from a deletion of one nucleotide at nucleotide position 1352, causing a translational frameshift with a predicted alternate stop codon (p.F451Sfs*2). This alteration was detected in a cohort of 29,906 healthy individuals who underwent multigene panel testing (Grzymski JJ et al. Nat Med, 2020 08;26:1235-1239). This variant has also been identified in individuals with Lynch syndrome, including a patient with MSI-H cancer of the small intestine (Shirts BH et al. Genet Med, 2016 10;18:974-81; Patel AP et al. JAMA Netw Open, 2020 04;3:e203959). This variant is considered to be rare based on population cohorts in the Genome Aggregation Database (gnomAD). In addition to the clinical data presented in the literature, this alteration is expected to result in loss of function by premature protein truncation or nonsense-mediated mRNA decay. As such, this alteration is interpreted as a disease-causing mutation.

Color Diagnostics, LLC DBA Color Health
Classification: Pathogenic for Hereditary cancer-predisposing syndrome. Last evaluated: 2024-11-05. Review status: criteria provided, single submitter. Criteria: ACMG Guidelines, 2015. Collection method: clinical testing. Allele origin: germline.
Comment: This variant deletes 1 nucleotide in exon 4 of the MSH6 gene, creating a frameshift and premature translation stop signal. This variant is expected to result in an absent or non-functional protein product. This variant has been reported in an individual affected with small intestine cancer and polyps, whose tumor displayed high microsatellite instability (PMID: 26845104). This variant has not been identified in the general population by the Genome Aggregation Database (gnomAD). Loss of MSH6 function is a known mechanism of disease. Based on the available evidence, this variant is classified as Pathogenic.

All of Us Research Program, National Institutes of Health
Classification: Pathogenic for Lynch syndrome. Last evaluated: 2024-09-27. Review status: criteria provided, single submitter. Criteria: ACMG Guidelines, 2015. Collection method: clinical testing. Allele origin: germline. Inheritance: Autosomal dominant inheritance. Observed: 1 variant allele, 1 heterozygote.
Comment: The c.1352del variant in the MSH6 gene is located on the exon 4 and is predicted to cause shift of reading frame which introduces a premature translation termination codon (p.Phe451Serfs*2), resulting in an absent or disrupted protein product. The variant has been reported in an individual with cancer in small intestine and polyposis (PMID: 26845104) and in an individual with endometrial cancer (PMID: 34994648). The other protein termination codon variants located in the same exon (p.Tyr433*, p.Tyr524*) have been interpreted as pathogenic by the expert panel (ClinVar ID: 89185, 89202). Loss-of-function variants of MSH6 are known to be pathogenic (PMID: 30376427, 18269114, 29345684). This variant has been reported in ClinVar (ID: 224534). This variant is rare (5/1614050 chromosomes) in general population according to gnomAD. Therefore, the c.1352del (p.Phe451Serfs*2) variant in the MSH6 gene has been classified as pathogenic.

This study involves interpretation of variants in research participants for the purpose of population health screening. Participant phenotype was not available at the time of variant classification. Additional details can be found in publication PMID: 35346344, PMCID: PMC8962531

Myriad Genetics, Inc.
Classification: Pathogenic for Lynch syndrome 5. Last evaluated: 2023-08-14. Review status: criteria provided, single submitter. Criteria: Myriad Autosomal Dominant, Autosomal Recessive and X-Linked Classification Criteria (2023). Collection method: clinical testing. Allele origin: unknown.
Comment: This variant is considered pathogenic. This variant creates a frameshift predicted to result in premature protein truncation.

Baylor Genetics
Classification: Pathogenic for Endometrial carcinoma. Last evaluated: 2023-01-04. Review status: criteria provided, single submitter. Criteria: ACMG Guidelines, 2015. Collection method: clinical testing. Allele origin: unknown.

Quest Diagnostics Nichols Institute San Juan Capistrano
Classification: Pathogenic. Last evaluated: 2022-05-14. Review status: criteria provided, single submitter. Criteria: Quest Diagnostics criteria. Collection method: clinical testing. Allele origin: unknown.
Comment: This frameshift variant alters the translational reading frame of the MSH6 mRNA and causes the premature termination of MSH6 protein synthesis. It has not been reported in large, multi-ethnic general populations. In the published literature, this variant has been reported in an individual with cancer of the small intestine and in a healthy control individual (PMIDs: 26845104 (2016) and 33471991 (2021)). Based on the available information, this variant is classified as pathogenic.

Women's Health and Genetics/Laboratory Corporation of America, LabCorp
Classification: Likely pathogenic for Lynch syndrome. Last evaluated: 2020-02-07. Review status: criteria provided, single submitter. Criteria: LabCorp Variant Classification Summary - May 2015. Collection method: clinical testing. Allele origin: germline.
Comment: Variant summary: MSH6 c.1352delT (p.Phe451SerfsX2) results in a premature termination codon, predicted to cause a truncation of the encoded protein or absence of the protein due to nonsense mediated decay, which are commonly known mechanisms for disease. Truncations downstream of this position have been classified as pathogenic by our laboratory. The variant was absent in 251008 control chromosomes (gnomAD). c.1352delT has been reported in the literature in at least one individual affected with small intestine cancer and polyposis (Shirts_2015). These report(s) do not provide unequivocal conclusions about association of the variant with Hereditary Non-Polyposis Colon Cancer. To our knowledge, no experimental evidence demonstrating an impact on protein function has been reported. Five clinical diagnostic laboratories have submitted clinical-significance assessments for this variant to ClinVar after 2014 without evidence for independent evaluation. All laboratories classified the variant as pathogenic (4x) / likely pathogenic (1x). Based on the evidence outlined above, the variant was classified as likely pathogenic.

Laboratory for Molecular Medicine, Mass General Brigham Personalized Medicine
Classification: Likely pathogenic for Lynch syndrome. Last evaluated: 2019-10-14. Review status: criteria provided, single submitter. Criteria: ACMG Guidelines, 2015. Collection method: clinical testing. Allele origin: germline.
Comment: The p.Phe451SerfsX2 variant in MSH6 has been reported in at least 1 individual with colorectal cancer (Shirts 2016) and was absent from large population studies. It has also been reported in ClinVar (Variation ID 224534) and classified as Pathogenic by several clinical labs. This variant is predicted to cause a frameshift, which alters the protein’s amino acid sequence beginning at position 451 and leads to a premature termination codon 2 amino acids downstream. This alteration is then predicted to lead to a truncated or absent protein. Loss of function of the MSH6 gene is an established disease mechanism in autosomal dominant Lynch syndrome. In summary, although additional studies are required to fully establish its clinical significance, the p.Phe451SerfsX2 variant meets criteria to be classified as likely pathogenic for Lynch syndrome. ACMG/AMP criteria applied: PVS1, PM2

GeneDx
Classification: Pathogenic. Last evaluated: 2018-07-31. Review status: criteria provided, single submitter. Criteria: GeneDx Variant Classification (06012015). Collection method: clinical testing. Allele origin: germline. Affected: yes.
Comment: This deletion of one nucleotide in MSH6 is denoted c.1352delT at the cDNA level and p.Phe451SerfsX2 (F451SfsX2) at the protein level. The normal sequence, with the base that is deleted in braces, is GTAT[T]CATG. The deletion causes a frameshift which changes a Phenylalanine to a Serine at codon 451, and creates a premature stop codon at position 2 of the new reading frame. Although this variant has not, to our knowledge, been reported in the literature, it is predicted to cause loss of normal protein function through either protein truncation or nonsense-mediated mRNA decay. We consider this variant to be pathogenic.

University of Washington Department of Laboratory Medicine, University of Washington
Classification: Pathogenic for Hereditary nonpolyposis colon cancer. Last evaluated: 2015-11-20. Review status: criteria provided, single submitter. Criteria: Shirts et al. (Genet Med 2016). Collection method: clinical testing. Allele origin: germline. Affected: yes. Observed: 1 variant allele.

Mayo Clinic Laboratories, Mayo Clinic
Classification: Likely pathogenic. Review status: no assertion criteria provided. Collection method: clinical testing. Allele origin: unknown. Not counted in ClinVar's aggregate classification.

Literature cited by the submitters: PubMed 18269114 (cited by Labcorp Genetics (formerly Invitae), Labcorp and All of Us Research Program, National Institutes of Health); PubMed 24362816 (cited by Labcorp Genetics (formerly Invitae), Labcorp); PubMed 26845104 (cited by 7 submitters); PubMed 32347951 (cited by Ambry Genetics); PubMed 32719484 (cited by Ambry Genetics and Quest Diagnostics Nichols Institute San Juan Capistrano); PubMed 29345684 (cited by All of Us Research Program, National Institutes of Health); PubMed 30376427 (cited by All of Us Research Program, National Institutes of Health); PubMed 34994648 (cited by All of Us Research Program, National Institutes of Health); PubMed 28152038 (cited by Quest Diagnostics Nichols Institute San Juan Capistrano and Laboratory for Molecular Medicine, Mass General Brigham Personalized Medicine); PubMed 30787465 (cited by Quest Diagnostics Nichols Institute San Juan Capistrano); PubMed 33087929 (cited by Quest Diagnostics Nichols Institute San Juan Capistrano); PubMed 33471991 (cited by Quest Diagnostics Nichols Institute San Juan Capistrano).

NM_000179.3(MSH6):c.1352del (p.Phe451fs)

Gene: MSH6 (mutS homolog 6; plus strand). Cytogenetic location: 2p16.3.
Variant type: Deletion.
Coding change: c.1352del on transcript NM_000179.3 (MANE Select); coding-DNA position 1352, one base deleted (T; older notation c.1352delT).
Protein change: p.Phe451fs; shifts the reading frame from phenylalanine 451.
Molecular consequence: frameshift variant.
Genome position (GRCh38, 1-based): chr2:47,799,335, T deleted; the last of 2 consecutive T bases (chr2:47,799,334-47,799,335); deleting either gives the same sequence. VCF-style (leftmost placement, unchanged base first): chr2-47799333-AT-A. GRCh37 (hg19) VCF-style: chr2-48026472-AT-A.
Other names: c.962del, p.Phe321fs (NM_001281492.2); c.446del, p.Phe149fs (NM_001281493.2, NM_001281494.2); c.1352delT (NM_000179.2); short protein forms F149fs, F321fs.
Identifiers: ClinVar variation 224534 (VCV000224534.29), dbSNP rs869312769, ClinGen allele CA357787.
Genomic context (GRCh38, chr2:47,799,333, plus strand): 5'-GAAATTTTATGAGCTGTACCACATGGATGCTCTTATTGGAGTCAGTGAACTGGGGCTGGT[AT>A]TCATGAAAGGCAACTGGGCCCATTCTGGCTTTCCTGAAATTGCATTTGGCCGTTATTCAG-3'